The following is an entry in ClinVar:

NM_031443.4(CCM2):c.528_532del (p.Leu177fs)

Gene: CCM2 (CCM2 scaffold protein; plus strand). Cytogenetic location: 7p13.
Variant type: Deletion.
Coding change: c.528_532del on transcript NM_031443.4 (MANE Select); coding-DNA positions 528 to 532, 5 bases deleted (CCTCA; older notation c.528_532delCCTCA).
Protein change: p.Leu177fs; shifts the reading frame from leucine 177.
Molecular consequence: frameshift variant. On other transcripts: non-coding transcript variant (1), intron variant (1).
Genome position (GRCh38, 1-based): chr7:45,068,498-45,068,502, CCTCA deleted. VCF-style (leftmost placement, unchanged base first): chr7-45068497-GCCTCA-G. GRCh37 (hg19) VCF-style: chr7-45108096-GCCTCA-G.
Other names: c.591_595del, p.Leu198fs (NM_001029835.2); c.354_358del, p.Leu119fs (NM_001167934.2, NM_001363459.2); c.528_532del, p.Leu177fs (NM_001363458.2); c.472+3852_472+3856del (NM_001167935.2); short protein forms L119fs, L177fs, L198fs.
Identifiers: ClinVar variation 1415667 (VCV001415667.6), dbSNP rs2128749865, ClinGen allele CA2573142205.

ClinVar aggregate classification (germline): Pathogenic (1 of 4 stars; one submission).

Conditions:
Cerebral cavernous malformation 2. Also called: Familial Cerebral Cavernous Malformation 2. Identifiers: Orphanet 221061, MedGen C1864041, MONDO:0011304, OMIM 603284.

Submission:

Labcorp Genetics (formerly Invitae), Labcorp
Classification: Pathogenic for Cerebral cavernous malformation 2. Last evaluated: 2023-03-17. Review status: criteria provided, single submitter. Criteria: Invitae Variant Classification Sherloc (09022015). Collection method: clinical testing. Allele origin: germline.
Comment: For these reasons, this variant has been classified as Pathogenic. ClinVar contains an entry for this variant (Variation ID: 1415667). This variant has not been reported in the literature in individuals affected with CCM2-related conditions. This variant is not present in population databases (gnomAD no frequency). This sequence change creates a premature translational stop signal (p.Leu177Cysfs*57) in the CCM2 gene. It is expected to result in an absent or disrupted protein product. Loss-of-function variants in CCM2 are known to be pathogenic (PMID: 18300272, 24689081).

Literature cited by the submitters: PubMed 18300272; PubMed 24689081.